The following is an entry in ClinVar:

NM_178857.6(RP1L1):c.6209A>T (p.Glu2070Val)

Gene: RP1L1 (RP1 like 1). Cytogenetic location: 8p23.1.
Variant type: single nucleotide variant.
Coding change: c.6209A>T on transcript NM_178857.6 (MANE Select); coding-DNA position 6209, A replaced by T.
Protein change: p.Glu2070Val; replaces glutamic acid 2070 with valine.
Molecular consequence: missense variant.
Genome position (GRCh38, 1-based): chr8:10,607,889, T>A on the plus strand (A>T on the coding strand, the complement: RP1L1 is on the minus strand). VCF-style: chr8-10607889-T-A. GRCh37 (hg19) VCF-style: chr8-10465399-T-A.
Other names: short protein forms E2070V.
Identifiers: ClinVar variation 361229 (VCV000361229.9), dbSNP rs11782670, ClinGen allele CA4623417.

ClinVar aggregate classification (germline): Benign. Review status: criteria provided, multiple submitters, no conflicts (2 of 4 stars). 5 submissions from 4 submitters: Benign (5). Last evaluated 2023-10-01.

Conditions:
Occult macular dystrophy (OCMD). Also called: OMD; OCCULT MACULAR DYSTROPHY, SUSCEPTIBILITY TO. Identifiers: Orphanet 247834, MedGen C3150833, MONDO:0013316, OMIM 613587, HP:0030636.
Retinitis pigmentosa 88. Identifiers: MedGen C5394208, MONDO:0032940, OMIM 618826.
Retinal dystrophy. Also called: Inherited retinal dystrophy. Identifiers: Orphanet 71862, MedGen C0854723, MeSH D058499, MONDO:0019118, HP:0000556.

Allele frequency attached by ClinVar (database versions not stated): ESP Exome Variant Server 0.11169; gnomAD 0.12322 and 0.12565; gnomAD exomes 0.12456 and 0.13136; ExAC 0.12943; 1000 Genomes Project 0.16134.
gnomAD v4.1: 200,195 of 1,602,372 alleles (12%); highest among the groups gnomAD compares: East Asian, 39%; 14,505 homozygotes.

Submissions (5):

Dept Of Ophthalmology, Nagoya University
Classification: Benign for Retinal dystrophy. Last evaluated: 2023-10-01. Review status: criteria provided, single submitter. Criteria: Submitter's publication. Collection method: research. Allele origin: germline. Affected: yes.

Genome-Nilou Lab
Classification: Benign for Occult macular dystrophy. Last evaluated: 2021-11-07. Review status: criteria provided, single submitter. Criteria: ACMG Guidelines, 2015. Collection method: clinical testing. Allele origin: germline. Affected: no.

Genome-Nilou Lab
Classification: Benign for Retinitis pigmentosa 88. Last evaluated: 2021-11-07. Review status: criteria provided, single submitter. Criteria: ACMG Guidelines, 2015. Collection method: clinical testing. Allele origin: germline. Affected: no.

Illumina Laboratory Services, Illumina
Classification: Benign for Occult macular dystrophy. Last evaluated: 2018-01-13. Review status: criteria provided, single submitter. Criteria: ICSL Variant Classification Criteria 13 December 2019. Collection method: clinical testing. Allele origin: germline.
Comment: This variant was observed in the ICSL laboratory as part of a predisposition screen in an ostensibly healthy population. It had not been previously curated by ICSL or reported in the Human Gene Mutation Database (HGMD: prior to June 1st, 2018), and was therefore a candidate for classification through an automated scoring system. Utilizing variant allele frequency, disease prevalence and penetrance estimates, and inheritance mode, an automated score was calculated to assess if this variant is too frequent to cause the disease. Based on the score and internal cut-off values, a variant classified as benign is not then subjected to further curation. The score for this variant resulted in a classification of benign for this disease.

Breakthrough Genomics
Classification: Benign. Review status: criteria provided, single submitter. Criteria: ACMG Guidelines, 2015. Collection method: not provided. Allele origin: germline. Inheritance: Autosomal recessive inheritance. Affected: yes.